The following is an entry in ClinVar:

NM_006567.5(FARS2):c.773-9A>G

Gene: FARS2 (phenylalanyl-tRNA synthetase 2, mitochondrial; plus strand). Cytogenetic location: 6p25.1.
Variant type: single nucleotide variant.
Coding change: c.773-9A>G on transcript NM_006567.5 (MANE Select); 9 bases into the intron before coding-DNA position 773, A replaced by G.
Molecular consequence: intron variant.
Genome position (GRCh38, 1-based): chr6:5,431,032, A>G. VCF-style: chr6-5431032-A-G. GRCh37 (hg19) VCF-style: chr6-5431265-A-G.
Other names: c.773-9A>G (NM_001374878.1, NM_001318872.2, NM_001374877.1 and 4 more transcripts); c.772+26331A>G (NM_001375258.1); c.77-9A>G (NM_001375260.1, NM_001375259.1).
Identifiers: ClinVar variation 4976276 (VCV004976276.1).

ClinVar aggregate classification (germline): Uncertain significance (1 of 4 stars; one submission).

Submission:

GeneDx
Classification: Uncertain significance. Last evaluated: 2026-02-09. Review status: criteria provided, single submitter. Criteria: GeneDx Variant Classification Process June 2021. Collection method: clinical testing. Allele origin: germline.
Comment: Not observed at significant frequency in large population cohorts (gnomAD); In silico analysis supports a deleterious effect on splicing; Has not been previously published as pathogenic or benign to our knowledge